The following is an entry in ClinVar:

NM_003079.5(SMARCE1):c.676G>T (p.Val226Phe)

Gene: SMARCE1 (SWI/SNF related BAF chromatin remodeling complex subunit E1; minus strand). Cytogenetic location: 17q21.2.
Variant type: single nucleotide variant.
Coding change: c.676G>T on transcript NM_003079.5 (MANE Select); coding-DNA position 676, G replaced by T.
Protein change: p.Val226Phe; replaces valine 226 with phenylalanine.
Molecular consequence: missense variant.
Genome position (GRCh38, 1-based): chr17:40,632,233, C>A on the plus strand (G>T on the coding strand, the complement: SMARCE1 is on the minus strand). VCF-style: chr17-40632233-C-A. GRCh37 (hg19) VCF-style: chr17-38788485-C-A.
Other names: short protein forms V226F.
Identifiers: ClinVar variation 4550546 (VCV004550546.1).

ClinVar aggregate classification (germline): Uncertain significance (1 of 4 stars; one submission).

Conditions:
Hereditary cancer-predisposing syndrome. Also called: Tumor predisposition; Hereditary Cancer Syndrome; Hereditary neoplastic syndrome; Neoplastic Syndromes, Hereditary. Identifiers: Orphanet 140162, MedGen C0027672, MeSH D009386, MONDO:0015356.

Submission:

Ambry Genetics
Classification: Uncertain significance for Hereditary cancer-predisposing syndrome. Last evaluated: 2025-11-08. Review status: criteria provided, single submitter. Criteria: Ambry Variant Classification Scheme 2023. Collection method: clinical testing. Allele origin: germline.
Comment: The p.V226F variant (also known as c.676G>T), located in coding exon 7 of the SMARCE1 gene, results from a G to T substitution at nucleotide position 676. The valine at codon 226 is replaced by phenylalanine, an amino acid with highly similar properties. This amino acid position is conserved. In addition, the in silico prediction for this alteration is inconclusive. Based on the available evidence, the clinical significance of this variant remains unclear.